The following is an entry in ClinVar:

ClinVar aggregate classification (germline): Uncertain significance. Review status: criteria provided, multiple submitters, no conflicts (2 of 4 stars). 2 submissions from 2 submitters: Uncertain significance (2). Last evaluated 2026-09-21.

Conditions:
Cardiovascular phenotype. Identifiers: MedGen CN230736.

Submissions (2):

Molecular Diagnostic Laboratory for Inherited Cardiovascular Disease, Montreal Heart Institute
Classification: Uncertain significance for Cardiovascular phenotype. Last evaluated: 2026-09-21. Review status: criteria provided, single submitter. Criteria: ACMG Guidelines, 2015. Collection method: clinical testing. Allele origin: germline. Affected: yes.
Comment: PVS1_mod, PM2

Labcorp Genetics (formerly Invitae), Labcorp
Classification: Uncertain significance. Last evaluated: 2024-05-30. Review status: criteria provided, single submitter. Criteria: Invitae Variant Classification Sherloc (09022015). Collection method: clinical testing. Allele origin: germline.
Comment: This sequence change creates a premature translational stop signal (p.Gly78Glufs*12) in the TNNI3K gene. It is expected to result in an absent or disrupted protein product. However, the current clinical and genetic evidence is not sufficient to establish whether loss-of-function variants in TNNI3K cause disease. This variant is not present in population databases (gnomAD no frequency). This variant has not been reported in the literature in individuals affected with TNNI3K-related conditions. ClinVar contains an entry for this variant (Variation ID: 1501027). In summary, the available evidence is currently insufficient to determine the role of this variant in disease. Therefore, it has been classified as a Variant of Uncertain Significance.

NM_015978.3(TNNI3K):c.233del (p.Gly78fs)

Genes: FPGT-TNNI3K (FPGT-TNNI3K readthrough; plus strand), TNNI3K (TNNI3 interacting kinase; plus strand). Cytogenetic location: 1p31.1.
Variant type: Deletion.
Coding change: c.233del on transcript NM_015978.3 (MANE Select); coding-DNA position 233, one base deleted (G; older notation c.233delG).
Protein change: p.Gly78fs; shifts the reading frame from glycine 78.
Molecular consequence: frameshift variant.
Genome position (GRCh38, 1-based): chr1:74,249,542, G deleted; the last of 2 consecutive G bases (chr1:74,249,541-74,249,542); deleting either gives the same sequence. VCF-style (leftmost placement, unchanged base first): chr1-74249540-TG-T. GRCh37 (hg19) VCF-style: chr1-74715224-TG-T.
Other names: c.233del (NM_015978.2); c.536del, p.Gly179fs (NM_001112808.3, NM_001199327.2); short protein forms G179fs, G78fs.
Identifiers: ClinVar variation 1501027 (VCV001501027.7), dbSNP rs1330861283, ClinGen allele CA738749618.